The following is an entry in ClinVar:

ClinVar aggregate classification (germline): Uncertain significance. Review status: criteria provided, multiple submitters, no conflicts (2 of 4 stars). 2 submissions from 2 submitters: Uncertain significance (2). Last evaluated 2023-12-17.

Conditions:
Inborn genetic diseases. Identifiers: MedGen C0950123, MeSH D030342.

Allele frequency attached by ClinVar (database versions not stated): gnomAD exomes 0.00002; TOPMed 0.00002; ExAC 0.00015.
gnomAD v4.1: 25 of 1,609,202 alleles (0.0016%); highest among the groups gnomAD compares: South Asian, 0.018%; 1 homozygote.

Submissions (2):

Ambry Genetics
Classification: Uncertain significance for Inborn genetic diseases. Last evaluated: 2023-12-17. Review status: criteria provided, single submitter. Criteria: Ambry Variant Classification Scheme 2023. Collection method: clinical testing. Allele origin: germline.

Labcorp Genetics (formerly Invitae), Labcorp
Classification: Uncertain significance. Last evaluated: 2023-03-07. Review status: criteria provided, single submitter. Criteria: Invitae Variant Classification Sherloc (09022015). Collection method: clinical testing. Allele origin: germline.
Comment: In summary, the available evidence is currently insufficient to determine the role of this variant in disease. Therefore, it has been classified as a Variant of Uncertain Significance. Advanced modeling of protein sequence and biophysical properties (such as structural, functional, and spatial information, amino acid conservation, physicochemical variation, residue mobility, and thermodynamic stability) performed at Invitae indicates that this missense variant is expected to disrupt MYH14 protein function. This variant has not been reported in the literature in individuals affected with MYH14-related conditions. This variant is present in population databases (rs765607599, gnomAD 0.03%). This sequence change replaces arginine, which is basic and polar, with glutamine, which is neutral and polar, at codon 1720 of the MYH14 protein (p.Arg1720Gln).

NM_001145809.2(MYH14):c.5282G>A (p.Arg1761Gln)

Gene: MYH14 (myosin heavy chain 14; plus strand). Cytogenetic location: 19q13.33.
Variant type: single nucleotide variant.
Coding change: c.5282G>A on transcript NM_001145809.2 (MANE Select); coding-DNA position 5282, G replaced by A.
Protein change: p.Arg1761Gln; replaces arginine 1761 with glutamine.
Molecular consequence: missense variant.
Genome position (GRCh38, 1-based): chr19:50,293,258, G>A. VCF-style: chr19-50293258-G-A. GRCh37 (hg19) VCF-style: chr19-50796515-G-A.
Other names: c.5183G>A, p.Arg1728Gln (NM_001077186.2); c.5159G>A, p.Arg1720Gln (NM_024729.4); c.5159G>A (NM_024729.3); short protein forms R1728Q, R1761Q, R1720Q.
Identifiers: ClinVar variation 2885791 (VCV002885791.4), dbSNP rs765607599, ClinGen allele CA9593748.
Genomic context (GRCh38, chr19:50,293,258, plus strand): 5'-CCTCACACCCACCGGCCACCCCTCCATCATCACAGGAACTGGCCGCCTCGGACCGTGCTC[G>A]GCGGCAGGCCCAGCAGGACCGGGATGAGATGGCAGATGAGGTGGCCAATGGTAACCTTAG-3'
Protein context (NP_001139281.1, residues 1751-1771): QEELAASDRA[Arg1761Gln]RQAQQDRDEM